The following is an entry in ClinVar:

ClinVar aggregate classification (germline): Uncertain significance. Review status: criteria provided, multiple submitters, no conflicts (2 of 4 stars). 2 submissions from 2 submitters: Uncertain significance (2). Last evaluated 2026-06-16.

Conditions:
Hereditary cancer-predisposing syndrome. Also called: Hereditary Cancer Syndrome; Hereditary neoplastic syndrome; Neoplastic Syndromes, Hereditary; Tumor predisposition. Identifiers: Orphanet 140162, MedGen C0027672, MeSH D009386, MONDO:0015356.
Mitochondrial complex II deficiency, nuclear type 1. Also called: SUCCINATE CoQ REDUCTASE DEFICIENCY. Identifiers: Orphanet 3208, MedGen C5700310, MONDO:0100294, OMIM 252011.
Pheochromocytoma/paraganglioma syndrome 5. Also called: Paragangliomas 5; SDHA-Related Hereditary Paraganglioma-Pheochromocytoma Syndrome. Identifiers: Orphanet 29072, MedGen C3279992, MONDO:0013602, OMIM 614165.

gnomAD v4.1: 1 of 1,614,146 alleles (0.000062%); highest among the groups gnomAD compares: Non-Finnish European, 0.000085%; no homozygotes.

Submissions (2):

Ambry Genetics
Classification: Uncertain significance for Hereditary cancer-predisposing syndrome. Last evaluated: 2026-06-16. Review status: criteria provided, single submitter. Criteria: Ambry Variant Classification Scheme 2023. Collection method: clinical testing. Allele origin: germline.
Comment: The p.F326L variant (also known as c.976T>C), located in coding exon 8 of the SDHA gene, results from a T to C substitution at nucleotide position 976. The phenylalanine at codon 326 is replaced by leucine, an amino acid with highly similar properties. This amino acid position is conserved. In addition, this alteration is predicted to be deleterious by in silico analysis. Based on the available evidence, the clinical significance of this variant remains unclear.

Labcorp Genetics (formerly Invitae), Labcorp
Classification: Uncertain significance for Pheochromocytoma/paraganglioma syndrome 5; Mitochondrial complex II deficiency, nuclear type 1. Last evaluated: 2024-08-28. Review status: criteria provided, single submitter. Criteria: Invitae Variant Classification Sherloc (09022015). Collection method: clinical testing. Allele origin: germline.
Comment: This sequence change replaces phenylalanine, which is neutral and non-polar, with leucine, which is neutral and non-polar, at codon 326 of the SDHA protein (p.Phe326Leu). This variant is not present in population databases (gnomAD no frequency). This variant has not been reported in the literature in individuals affected with SDHA-related conditions. Invitae Evidence Modeling of protein sequence and biophysical properties (such as structural, functional, and spatial information, amino acid conservation, physicochemical variation, residue mobility, and thermodynamic stability) has been performed for this missense variant. However, the output from this modeling did not meet the statistical confidence thresholds required to predict the impact of this variant on SDHA protein function. In summary, the available evidence is currently insufficient to determine the role of this variant in disease. Therefore, it has been classified as a Variant of Uncertain Significance.

NM_004168.4(SDHA):c.976T>C (p.Phe326Leu)

Gene: SDHA (succinate dehydrogenase complex flavoprotein subunit A; plus strand). Cytogenetic location: 5p15.33.
Variant type: single nucleotide variant.
Coding change: c.976T>C on transcript NM_004168.4 (MANE Select); coding-DNA position 976, T replaced by C.
Protein change: p.Phe326Leu; replaces phenylalanine 326 with leucine.
Molecular consequence: missense variant.
Genome position (GRCh38, 1-based): chr5:233,557, T>C. VCF-style: chr5-233557-T-C. GRCh37 (hg19) VCF-style: chr5-233672-T-C.
Other names: c.832T>C, p.Phe278Leu (NM_001294332.2); c.976T>C, p.Phe326Leu (NM_001330758.2); c.976T>C (NM_004168.2); short protein forms F278L, F326L.
Identifiers: ClinVar variation 2951070 (VCV002951070.5), dbSNP rs1553999002, ClinGen allele CA359012750.